The following is an entry in ClinVar:

ClinVar aggregate classification (germline): Benign (0 of 4 stars; one submission).

Conditions:
PPARGC1A-related disorder. Also called: PPARGC1A-related condition.

Allele frequency attached by ClinVar (database versions not stated): gnomAD exomes 0.00031; ExAC 0.00096; gnomAD 0.00278; TOPMed 0.00342; 1000 Genomes Project 0.00399; 1000 Genomes Project 30x 0.00484.
gnomAD v4.1: 871 of 1,520,440 alleles (0.057%); highest among the groups gnomAD compares: African/African-American, 1%; 6 homozygotes.

Submission:

PreventionGenetics, part of Exact Sciences
Classification: Benign for PPARGC1A-related condition. Last evaluated: 2019-06-04. Review status: no assertion criteria provided. Collection method: clinical testing. Allele origin: germline.
Comment: This variant is classified as benign based on ACMG/AMP sequence variant interpretation guidelines (Richards et al. 2015 PMID: 25741868, with internal and published modifications).

NM_013261.5(PPARGC1A):c.234+53G>A

Gene: PPARGC1A (PPARG coactivator 1 alpha; minus strand). Cytogenetic location: 4p15.2.
Variant type: single nucleotide variant.
Coding change: c.234+53G>A on transcript NM_013261.5 (MANE Select); 53 bases into the intron after coding-DNA position 234, G replaced by A.
Molecular consequence: intron variant. On other transcripts: missense variant (1).
Genome position (GRCh38, 1-based): chr4:23,884,699, C>T on the plus strand (G>A on the coding strand, the complement: PPARGC1A is on the minus strand). VCF-style: chr4-23884699-C-T. GRCh37 (hg19) VCF-style: chr4-23886322-C-T.
Other names: c.287G>A, p.Arg96Gln (NM_001354828.2); c.249+53G>A (NM_001354827.2, NM_001354825.2, NM_001330751.2); c.198+53G>A (NM_001330752.2); c.-252+53G>A (NM_001354826.2); short protein forms R96Q.
Identifiers: ClinVar variation 3044920 (VCV003044920.2), dbSNP rs60876252, ClinGen allele CA2875599.
Genomic context (GRCh38, chr4:23,884,699, plus strand): 5'-GTCTTTTGATGATAGCAAAGTAAGAACTCATTATGCATTCAGGTCTATTACCATGTTAGT[C>T]GGGCCCAAGCCAAACTCAATGAAAAATTAATGTTTCCAAAGGATGTCCTTACCTCAAATA-3'